The following is an entry in ClinVar:

NM_003002.4(SDHD):c.239T>G (p.Leu80Arg)

Gene: SDHD (succinate dehydrogenase complex subunit D; plus strand). Cytogenetic location: 11q23.1.
Variant type: single nucleotide variant.
Coding change: c.239T>G on transcript NM_003002.4 (MANE Select); coding-DNA position 239, T replaced by G.
Protein change: p.Leu80Arg; replaces leucine 80 with arginine.
Molecular consequence: missense variant. On other transcripts: non-coding transcript variant (1), intron variant (1).
Genome position (GRCh38, 1-based): chr11:112,088,936, T>G. VCF-style: chr11-112088936-T-G. GRCh37 (hg19) VCF-style: chr11-111959660-T-G.
Other names: c.122T>G, p.Leu41Arg (NM_001276504.2); c.239T>G, p.Leu80Arg (NM_001276506.2); c.169+963T>G (NM_001276503.2); short protein forms L80R, L41R.
Identifiers: ClinVar variation 438435 (VCV000438435.9), dbSNP rs1555187010, ClinGen allele CA382617293.
Genomic context (GRCh38, chr11:112,088,936, plus strand): 5'-AGGCTGCATCTCTCCACTGGACTAGCGAGAGGGTTGTCAGTGTTTTGCTCCTGGGTCTGC[T>G]TCCGGCTGCTTATTTGAATCCTTGCTCTGCGATGGACTATTCCCTGGCTGCAGCCCTCAC-3'
Protein context (NP_002993.1, residues 70-90): RVVSVLLLGL[Leu80Arg]PAAYLNPCSA

ClinVar aggregate classification (germline): Pathogenic. Review status: criteria provided, single submitter (1 of 4 stars). 2 submissions from 2 submitters: Pathogenic (1). 1 of the submissions does not count toward it. Last evaluated 2021-04-09.

Conditions:
Paragangliomas with sensorineural hearing loss. Identifiers: MedGen C1868633.
Pheochromocytoma. Also called: MAX-Related Hereditary Paraganglioma-Pheochromocytoma Syndrome. Identifiers: Orphanet 29072, MedGen C0031511, MONDO:0008233, OMIM 171300, HP:0002666.
Cowden syndrome 3 (CWS3). Identifiers: Orphanet 201, MedGen CN166604, MONDO:0014045.
Carney-Stratakis syndrome. Also called: PARAGANGLIOMA AND GASTROINTESTINAL STROMAL TUMOR. Identifiers: Orphanet 97286, MedGen C1847319, MONDO:0011740, OMIM 606864.
Hereditary pheochromocytoma and paraganglioma. Also called: Hereditary Paraganglioma-Pheochromocytoma Syndromes; Hereditary paragangliomas and pheochromocytomas; Hereditary pheochromocytoma-paraganglioma. Identifiers: Orphanet 29072, MedGen C4274332, MONDO:0017366.

Submissions (2):

Labcorp Genetics (formerly Invitae), Labcorp
Classification: Pathogenic for Carney-Stratakis syndrome; Paragangliomas with sensorineural hearing loss; Pheochromocytoma; Cowden syndrome 3. Last evaluated: 2021-04-09. Review status: criteria provided, single submitter. Criteria: Invitae Variant Classification Sherloc (09022015). Collection method: clinical testing. Allele origin: germline.
Comment: Advanced modeling of protein sequence and biophysical properties (such as structural, functional, and spatial information, amino acid conservation, physicochemical variation, residue mobility, and thermodynamic stability) performed at Invitae indicates that this missense variant is expected to disrupt SDHD protein function. For these reasons, this variant has been classified as Pathogenic. This variant has been observed in individual(s) with hereditary paraganglioma-pheochromocytoma (PGL-PCC) syndrome (PMID: 19454582, 23083876, Invitae). ClinVar contains an entry for this variant (Variation ID: 438435). This variant is not present in population databases (ExAC no frequency). This sequence change replaces leucine with arginine at codon 80 of the SDHD protein (p.Leu80Arg). The leucine residue is moderately conserved and there is a moderate physicochemical difference between leucine and arginine.

Section on Medical Neuroendocrinolgy, National Institutes of Health
Classification: Uncertain significance for Hereditary pheochromocytoma and paraganglioma. Review status: no assertion criteria provided. Collection method: research. Allele origin: germline. Affected: yes. Not counted in ClinVar's aggregate classification.

Literature cited by the submitters: PubMed 19454582 (cited by Labcorp Genetics (formerly Invitae), Labcorp); PubMed 23083876 (cited by Labcorp Genetics (formerly Invitae), Labcorp).